The following is an entry in ClinVar:

ClinVar aggregate classification (germline): Uncertain significance (1 of 4 stars; one submission).

Submission:

Labcorp Genetics (formerly Invitae), Labcorp
Classification: Uncertain significance. Last evaluated: 2023-12-18. Review status: criteria provided, single submitter. Criteria: Invitae Variant Classification Sherloc (09022015). Collection method: clinical testing. Allele origin: germline.
Comment: This sequence change replaces glutamine, which is neutral and polar, with histidine, which is basic and polar, at codon 257 of the MCM2 protein (p.Gln257His). This variant is not present in population databases (gnomAD no frequency). This variant has not been reported in the literature in individuals affected with MCM2-related conditions. Advanced modeling of protein sequence and biophysical properties (such as structural, functional, and spatial information, amino acid conservation, physicochemical variation, residue mobility, and thermodynamic stability) performed at Invitae indicates that this missense variant is not expected to disrupt MCM2 protein function with a negative predictive value of 80%. In summary, the available evidence is currently insufficient to determine the role of this variant in disease. Therefore, it has been classified as a Variant of Uncertain Significance.

NM_004526.4(MCM2):c.771G>C (p.Gln257His)

Gene: MCM2 (minichromosome maintenance complex component 2; plus strand). Cytogenetic location: 3q21.3.
Variant type: single nucleotide variant.
Coding change: c.771G>C on transcript NM_004526.4 (MANE Select); coding-DNA position 771, G replaced by C.
Protein change: p.Gln257His; replaces glutamine 257 with histidine.
Molecular consequence: missense variant. On other transcripts: non-coding transcript variant (1).
Genome position (GRCh38, 1-based): chr3:127,606,215, G>C. VCF-style: chr3-127606215-G-C. GRCh37 (hg19) VCF-style: chr3-127325058-G-C.
Other names: short protein forms Q257H.
Identifiers: ClinVar variation 2749418 (VCV002749418.3), dbSNP rs1370278109, ClinGen allele CA354384426.